The following is an entry in ClinVar:

NM_001378964.1(CDON):c.330T>C (p.Pro110=)

Gene: CDON (cell adhesion associated, oncogene regulated; minus strand). Cytogenetic location: 11q24.2.
Variant type: single nucleotide variant.
Coding change: c.330T>C on transcript NM_001378964.1 (MANE Select); coding-DNA position 330, T replaced by C.
Protein change: p.Pro110=; no amino-acid change (proline 110 retained).
Molecular consequence: synonymous variant.
Genome position (GRCh38, 1-based): chr11:126,021,267, A>G on the plus strand (T>C on the coding strand, the complement: CDON is on the minus strand). VCF-style: chr11-126021267-A-G. GRCh37 (hg19) VCF-style: chr11-125891162-A-G.
Other names: c.330T>C, p.Pro110= (NM_001243597.3, NM_016952.6).
Identifiers: ClinVar variation 95753 (VCV000095753.21), dbSNP rs35131477, ClinGen allele CA148797.

ClinVar aggregate classification (germline): Benign. Review status: criteria provided, multiple submitters, no conflicts (2 of 4 stars). 7 submissions from 7 submitters: Benign (7). Last evaluated 2026-01-26.

Conditions:
Holoprosencephaly 11 (HPE11). Identifiers: Orphanet 2162, MedGen C3280215, MONDO:0013642, OMIM 614226.

Allele frequency attached by ClinVar (database versions not stated): 1000 Genomes Project 30x 0.02514; 1000 Genomes Project 0.02636; gnomAD 0.03518 and 0.03554; ExAC 0.03712; gnomAD exomes 0.03727 and 0.04250; TOPMed 0.03795; ESP Exome Variant Server 0.04054.
gnomAD v4.1: 67,728 of 1,614,038 alleles (4.2%); highest among the groups gnomAD compares: Middle Eastern, 6.7%; 1,632 homozygotes.

Submissions (7):

Labcorp Genetics (formerly Invitae), Labcorp
Classification: Benign for Holoprosencephaly 11. Last evaluated: 2026-01-26. Review status: criteria provided, single submitter. Criteria: Invitae Variant Classification Sherloc (09022015). Collection method: clinical testing. Allele origin: germline.

Blueprint Genetics
Classification: Benign. Last evaluated: 2024-11-27. Review status: criteria provided, single submitter. Criteria: ACMG Guidelines, 2015. Collection method: clinical testing. Allele origin: germline.

GeneDx
Classification: Benign. Last evaluated: 2020-04-07. Review status: criteria provided, single submitter. Criteria: GeneDx Variant Classification Process June 2021. Collection method: clinical testing. Allele origin: germline. Affected: yes.

Illumina Laboratory Services, Illumina
Classification: Benign for Holoprosencephaly 11. Last evaluated: 2018-01-12. Review status: criteria provided, single submitter. Criteria: ICSL Variant Classification Criteria 13 December 2019. Collection method: clinical testing. Allele origin: germline.
Comment: This variant was observed in the ICSL laboratory as part of a predisposition screen in an ostensibly healthy population. It had not been previously curated by ICSL or reported in the Human Gene Mutation Database (HGMD: prior to June 1st, 2018), and was therefore a candidate for classification through an automated scoring system. Utilizing variant allele frequency, disease prevalence and penetrance estimates, and inheritance mode, an automated score was calculated to assess if this variant is too frequent to cause the disease. Based on the score and internal cut-off values, a variant classified as benign is not then subjected to further curation. The score for this variant resulted in a classification of benign for this disease.

Eurofins Ntd Llc (ga)
Classification: Benign. Last evaluated: 2013-08-07. Review status: criteria provided, single submitter. Criteria: EGL Classification Definitions 2015. Collection method: clinical testing. Allele origin: germline. Observed: 1 variant allele, 1 heterozygote.

Breakthrough Genomics
Classification: Benign. Review status: criteria provided, single submitter. Criteria: ACMG Guidelines, 2015. Collection method: not provided. Allele origin: germline. Inheritance: Autosomal dominant inheritance. Affected: yes.

PreventionGenetics, part of Exact Sciences
Classification: Benign. Review status: criteria provided, single submitter. Criteria: ACMG Guidelines, 2015. Collection method: clinical testing. Allele origin: germline.